The following is an entry in ClinVar:

ClinVar aggregate classification (germline): Uncertain significance (1 of 4 stars; one submission).

Conditions:
Chédiak-Higashi syndrome (CHS). Also called: Chediak-Higashi Syndrome. Identifiers: Orphanet 167, MedGen C0007965, MONDO:0008963, OMIM 214500.

Allele frequency attached by ClinVar (database versions not stated): gnomAD exomes below 0.00001; TOPMed below 0.00001; ExAC 0.00001; gnomAD 0.00001.
gnomAD v4.1: 5 of 1,613,708 alleles (0.00031%); highest among the groups gnomAD compares: South Asian, 0.0011%; no homozygotes.

Submission:

Labcorp Genetics (formerly Invitae), Labcorp
Classification: Uncertain significance for Chédiak-Higashi syndrome. Last evaluated: 2022-02-08. Review status: criteria provided, single submitter. Criteria: Invitae Variant Classification Sherloc (09022015). Collection method: clinical testing. Allele origin: germline.
Comment: This sequence change replaces isoleucine, which is neutral and non-polar, with valine, which is neutral and non-polar, at codon 2969 of the LYST protein (p.Ile2969Val). This variant is present in population databases (rs771907395, gnomAD 0.003%). This variant has not been reported in the literature in individuals affected with LYST-related conditions. Algorithms developed to predict the effect of missense changes on protein structure and function (SIFT, PolyPhen-2, Align-GVGD) all suggest that this variant is likely to be tolerated. In summary, the available evidence is currently insufficient to determine the role of this variant in disease. Therefore, it has been classified as a Variant of Uncertain Significance.

NM_000081.4(LYST):c.8905A>G (p.Ile2969Val)

Gene: LYST (lysosomal trafficking regulator; minus strand). Cytogenetic location: 1q42.3.
Variant type: single nucleotide variant.
Coding change: c.8905A>G on transcript NM_000081.4 (MANE Select); coding-DNA position 8905, A replaced by G.
Protein change: p.Ile2969Val; replaces isoleucine 2969 with valine.
Molecular consequence: missense variant.
Genome position (GRCh38, 1-based): chr1:235,731,074, T>C on the plus strand (A>G on the coding strand, the complement: LYST is on the minus strand). VCF-style: chr1-235731074-T-C. GRCh37 (hg19) VCF-style: chr1-235894374-T-C.
Other names: c.8905A>G, p.Ile2969Val (NM_001301365.1); short protein forms I2969V.
Identifiers: ClinVar variation 2164960 (VCV002164960.1), dbSNP rs771907395, ClinGen allele CA1465731.